The following is an entry in ClinVar:

NM_000051.4(ATM):c.992A>T (p.Lys331Met)

Gene: ATM (ATM serine/threonine kinase; plus strand). Cytogenetic location: 11q22.3.
Variant type: single nucleotide variant.
Coding change: c.992A>T on transcript NM_000051.4 (MANE Select); coding-DNA position 992, A replaced by T.
Protein change: p.Lys331Met; replaces lysine 331 with methionine.
Molecular consequence: missense variant.
Genome position (GRCh38, 1-based): chr11:108,247,054, A>T. VCF-style: chr11-108247054-A-T. GRCh37 (hg19) VCF-style: chr11-108117781-A-T.
Other names: c.992A>T, p.Lys331Met (NM_001351834.2); short protein forms K331M.
Identifiers: ClinVar variation 1005372 (VCV001005372.8), dbSNP rs2079885179, ClinGen allele CA382531283.

ClinVar aggregate classification (germline): Uncertain significance (1 of 4 stars; one submission).

Conditions:
Ataxia-telangiectasia syndrome (AT). Also called: Ataxia-telangiectasia, complementation group D; AT, COMPLEMENTATION GROUP C; ATAXIA-TELANGIECTASIA, COMPLEMENTATION GROUP A; ATAXIA-TELANGIECTASIA, FRESNO VARIANT; Ataxia-telangiectasia; Cerebello-oculocutaneous telangiectasia. Identifiers: Orphanet 100, MedGen C0004135, MONDO:0008840, OMIM 208900.

Allele frequency attached by ClinVar (database versions not stated): gnomAD exomes below 0.00001.
gnomAD v4.1: 1 of 1,613,854 alleles (0.000062%); highest among the groups gnomAD compares: East Asian, 0.0022%; no homozygotes.

Submission:

Labcorp Genetics (formerly Invitae), Labcorp
Classification: Uncertain significance for Ataxia-telangiectasia syndrome. Last evaluated: 2022-11-19. Review status: criteria provided, single submitter. Criteria: Invitae Variant Classification Sherloc (09022015). Collection method: clinical testing. Allele origin: germline.
Comment: This sequence change replaces lysine, which is basic and polar, with methionine, which is neutral and non-polar, at codon 331 of the ATM protein (p.Lys331Met). This missense change has been observed in individual(s) with breast cancer (PMID: 30287823). ClinVar contains an entry for this variant (Variation ID: 1005372). Algorithms developed to predict the effect of missense changes on protein structure and function (SIFT, PolyPhen-2, Align-GVGD) all suggest that this variant is likely to be disruptive. In summary, the available evidence is currently insufficient to determine the role of this variant in disease. Therefore, it has been classified as a Variant of Uncertain Significance. This variant is not present in population databases (gnomAD no frequency).

Literature cited by the submitters: PubMed 30287823.